The following is an entry in ClinVar:

NM_198428.3(BBS9):c.383A>C (p.Glu128Ala)

Gene: BBS9 (Bardet-Biedl syndrome 9; plus strand). Cytogenetic location: 7p14.3.
Variant type: single nucleotide variant.
Coding change: c.383A>C on transcript NM_198428.3 (MANE Select); coding-DNA position 383, A replaced by C.
Protein change: p.Glu128Ala; replaces glutamic acid 128 with alanine.
Molecular consequence: missense variant. On other transcripts: non-coding transcript variant (3).
Genome position (GRCh38, 1-based): chr7:33,177,532, A>C. VCF-style: chr7-33177532-A-C. GRCh37 (hg19) VCF-style: chr7-33217144-A-C.
Other names: c.383A>C, p.Glu128Ala (NM_001033604.2, NM_001033605.2, NM_001348036.1 and 5 more transcripts); c.17A>C, p.Glu6Ala (NM_001348037.3, NM_001348044.3, NM_001348045.3 and 1 more transcripts); c.110A>C, p.Glu37Ala (NM_001348038.3, NM_001348039.3); c.248A>C, p.Glu83Ala (NM_001348042.3); short protein forms E6A, E83A, E128A, E37A.
Identifiers: ClinVar variation 3731170 (VCV003731170.2).

ClinVar aggregate classification (germline): Uncertain significance. Review status: criteria provided, multiple submitters, no conflicts (2 of 4 stars). 2 submissions from 2 submitters: Uncertain significance (2). Last evaluated 2026-03-26.

Conditions:
BBS9-related disorder. Also called: BBS9-related condition.

Submissions (2):

PreventionGenetics, part of Exact Sciences
Classification: Uncertain significance for BBS9-related condition. Last evaluated: 2026-03-26. Review status: criteria provided, single submitter. Criteria: ACMG Guidelines, 2015. Collection method: clinical testing. Allele origin: germline.
Comment: The BBS9 c.383A>C variant is predicted to result in the amino acid substitution p.Glu128Ala. To our knowledge, this variant has not been reported in the literature or in a large population database (gnomAD), indicating this variant is rare. At this time, the clinical significance of this variant is uncertain due to the absence of conclusive functional and genetic evidence.

GeneDx
Classification: Uncertain significance. Last evaluated: 2024-08-16. Review status: criteria provided, single submitter. Criteria: GeneDx Variant Classification Process June 2021. Collection method: clinical testing. Allele origin: germline. Affected: yes.
Comment: Not observed at significant frequency in large population cohorts (gnomAD); In silico analysis supports that this missense variant has a deleterious effect on protein structure/function; Has not been previously published as pathogenic or benign to our knowledge